The following is an entry in ClinVar:

NM_002485.5(NBN):c.1036G>A (p.Val346Met)

Gene: NBN (nibrin; minus strand). Cytogenetic location: 8q21.3.
Variant type: single nucleotide variant.
Coding change: c.1036G>A on transcript NM_002485.5 (MANE Select); coding-DNA position 1036, G replaced by A.
Protein change: p.Val346Met; replaces valine 346 with methionine.
Molecular consequence: missense variant.
Genome position (GRCh38, 1-based): chr8:89,958,813, C>T on the plus strand (G>A on the coding strand, the complement: NBN is on the minus strand). VCF-style: chr8-89958813-C-T. GRCh37 (hg19) VCF-style: chr8-90971041-C-T.
Other names: p.V346M:GTG>ATG; c.790G>A, p.Val264Met (NM_001024688.3); short protein forms V346M, V264M.
Identifiers: ClinVar variation 127854 (VCV000127854.50), dbSNP rs200297914, ClinGen allele CA287895.

ClinVar aggregate classification (germline): Conflicting classifications of pathogenicity. Review status: criteria provided, conflicting classifications (1 of 4 stars). 17 submissions from 17 submitters: Uncertain significance (5); Likely benign (8). 4 of the submissions do not count toward it. Last evaluated 2026-01-24.

Conditions:
NBN-related disorder. Also called: NBN-related condition.
Hereditary cancer-predisposing syndrome. Also called: Hereditary Cancer Syndrome; Tumor predisposition; Hereditary neoplastic syndrome; Neoplastic Syndromes, Hereditary. Identifiers: Orphanet 140162, MedGen C0027672, MeSH D009386, MONDO:0015356.
Microcephaly, normal intelligence and immunodeficiency (NBS). Also called: BERLIN BREAKAGE SYNDROME; Immunodeficiency, microcephaly with normal intelligence; Nijmegen breakage syndrome; Microcephaly with normal intelligence immunodeficiency and lymphoreticular malignancies; Nonsyndromal microcephaly autosomal recessive with normal intelligence; Seemanova syndrome 2. Identifiers: Orphanet 647, MedGen C0398791, MONDO:0009623, OMIM 251260.
Prostate cancer. Also called: Malignant tumor of prostate. Identifiers: Orphanet 1331, MedGen C0376358, MONDO:0008315, HP:0012125.
Aplastic anemia. Identifiers: Orphanet 182040, Orphanet 88, MedGen C0002874, MONDO:0015909, OMIM 609135, HP:0001915.
Malignant tumor of breast. Also called: Malignant breast neoplasm; Cancer breast. Identifiers: MedGen C0006142, MONDO:0007254. Disease mechanism: loss of function.

Allele frequency attached by ClinVar (database versions not stated): gnomAD 0.00011 and 0.00015; ExAC 0.00026; TOPMed 0.00016; 1000 Genomes Project 30x 0.00031; gnomAD exomes 0.00030; 1000 Genomes Project 0.00040.
gnomAD v4.1: 141 of 1,613,912 alleles (0.0087%); highest among the groups gnomAD compares: East Asian, 0.17%; 1 homozygote.

Submissions (17):

Labcorp Genetics (formerly Invitae), Labcorp
Classification: Likely benign for Microcephaly, normal intelligence and immunodeficiency. Last evaluated: 2026-01-24. Review status: criteria provided, single submitter. Criteria: Invitae Variant Classification Sherloc (09022015). Collection method: clinical testing. Allele origin: germline.

Quest Diagnostics Nichols Institute San Juan Capistrano
Classification: Likely benign. Last evaluated: 2025-10-22. Review status: criteria provided, single submitter. Criteria: Quest Diagnostics criteria. Collection method: clinical testing. Allele origin: unknown.

Women's Health and Genetics/Laboratory Corporation of America, LabCorp
Classification: Likely benign. Last evaluated: 2023-12-26. Review status: criteria provided, single submitter. Criteria: LabCorp Variant Classification Summary - May 2015. Collection method: clinical testing. Allele origin: germline.
Comment: Variant summary: NBN c.1036G>A (p.Val346Met) results in a conservative amino acid change in the encoded protein sequence. Five of five in-silico tools predict a benign effect of the variant on protein function. The variant allele was found at a frequency of 0.0003 in 251374 control chromosomes, predominantly at a frequency of 0.0033 within the East Asian subpopulation in the gnomAD database. The observed variant frequency within East Asian control individuals in the gnomAD database is approximately 1.3 fold of the estimated maximal expected allele frequency for a pathogenic variant in NBN causing Nijmegen Breakage Syndrome phenotype (0.0025), strongly suggesting that the variant is a benign polymorphism found primarily in populations of East Asian origin. c.1036G>A has been reported in the literature in individuals affected with breast cancer, endometrial cancer and in unaffected controls (example, Haiman_2013, Tung_2016, Ring_2016, Momozawa_2018). These reports do not provide unequivocal conclusions about association of the variant with Nijmegen Breakage Syndrome or with any of the NBN associated tumors. At-least two co-occurrences with other pathogenic variants have been observed at our laboratory (APC c.1206_1207delTG, p.Glu403AsnfsX15; BRCA2 c.6405_6409delCTTAA, p.Asn2135LysfsX3), providing additional supporting evidence for a benign role. To our knowledge, no experimental evidence demonstrating an impact on protein function has been reported. The following publications have been ascertained in the context of this evaluation (PMID: 23555315, 26976419, 27443514, 30287823). Fourteen submitters have cited clinical-significance assessments for this variant to ClinVar after 2014 and classified as likely benign (n=9) and VUS (n=5). Based on the evidence outlined above, the variant was classified as likely benign.

Revvity Omics, Revvity
Classification: Uncertain significance. Last evaluated: 2022-01-11. Review status: criteria provided, single submitter. Criteria: ACMG Guidelines, 2015. Collection method: clinical testing. Allele origin: germline.

Genome-Nilou Lab
Classification: Likely benign for Microcephaly, normal intelligence and immunodeficiency. Last evaluated: 2021-11-07. Review status: criteria provided, single submitter. Criteria: ACMG Guidelines, 2015. Collection method: clinical testing. Allele origin: germline. Affected: no.

GeneDx
Classification: Likely benign. Last evaluated: 2020-11-25. Review status: criteria provided, single submitter. Criteria: GeneDx Variant Classification Process June 2021. Collection method: clinical testing. Allele origin: germline. Affected: yes.
Comment: This variant is associated with the following publications: (PMID: 23525077, 26976419, 27443514, 23555315)

Baylor Genetics
Classification: Uncertain significance for Aplastic anemia. Last evaluated: 2020-11-23. Review status: criteria provided, single submitter. Criteria: ACMG Guidelines, 2015. Collection method: clinical testing. Allele origin: unknown. Affected: yes. Study: CSER-TexasKidsCanSeq.
Comment: This variant was determined to be of uncertain significance according to ACMG Guidelines, 2015 [PMID:25741868].

Sema4
Classification: Likely benign for Hereditary cancer-predisposing syndrome. Last evaluated: 2020-11-05. Review status: criteria provided, single submitter. Criteria: Sema4 Curation Guidelines. Collection method: curation. Allele origin: germline.

Ambry Genetics
Classification: Likely benign for Hereditary cancer-predisposing syndrome. Last evaluated: 2020-09-28. Review status: criteria provided, single submitter. Criteria: Ambry Variant Classification Scheme 2023. Collection method: clinical testing. Allele origin: germline.

ACT Genomics,
Classification: Likely benign for Malignant tumor of prostate. Last evaluated: 2020-06-22. Review status: criteria provided, single submitter. Criteria: ACMG Guidelines, 2015. Collection method: clinical testing. Allele origin: germline. Affected: yes. Observed: 1 heterozygote.
Comment: The allele frequency of this variant c.1036G>A (p.Val346Met) is 0.003 in East Asian of gnomAD Exomes and 0.002 in East Asian in 1000 Genomes.Â There is a small physicochemical difference between valine and methionine, which is not likely to impact secondary protein structure as these residues share similar properties. The variant is predicted to be tolerated by both SIFT or PolyPhen2. For these reasons, this variant has been classified as Likely Benign.

Genetic Services Laboratory, University of Chicago
Classification: Uncertain significance. Last evaluated: 2018-04-27. Review status: criteria provided, single submitter. Criteria: ACMG Guidelines, 2015. Collection method: clinical testing. Allele origin: germline. Affected: no.

Illumina Laboratory Services, Illumina
Classification: Uncertain significance for Microcephaly, normal intelligence and immunodeficiency. Last evaluated: 2018-01-13. Review status: criteria provided, single submitter. Criteria: ICSL Variant Classification Criteria 13 December 2019. Collection method: clinical testing. Allele origin: germline.

Eurofins Ntd Llc (ga)
Classification: Uncertain significance. Last evaluated: 2016-04-27. Review status: criteria provided, single submitter. Criteria: EGL Classification Definitions 2015. Collection method: clinical testing. Allele origin: germline. Observed: 1 variant allele, 1 heterozygote.

PreventionGenetics, part of Exact Sciences
Classification: Likely benign for NBN-related condition. Last evaluated: 2023-02-02. Review status: no assertion criteria provided. Collection method: clinical testing. Allele origin: germline. Not counted in ClinVar's aggregate classification.
Comment: This variant is classified as likely benign based on ACMG/AMP sequence variant interpretation guidelines (Richards et al. 2015 PMID: 25741868, with internal and published modifications).

Institute for Biomarker Research, Medical Diagnostic Laboratories, L.L.C.
Classification: Likely benign for Hereditary cancer-predisposing syndrome. Last evaluated: 2021-09-27. Review status: no assertion criteria provided. Collection method: clinical testing. Allele origin: germline. Not counted in ClinVar's aggregate classification.

Natera, Inc.
Classification: Likely benign for Nijmegen breakage syndrome. Last evaluated: 2020-01-03. Review status: no assertion criteria provided. Collection method: clinical testing. Allele origin: germline. Not counted in ClinVar's aggregate classification.

Department of Pathology and Laboratory Medicine, Sinai Health System
Classification: Uncertain significance for Malignant tumor of breast. Review status: no assertion criteria provided. Collection method: clinical testing. Allele origin: unknown. Affected: yes. Study: The Canadian Open Genetics Repository (COGR). Not counted in ClinVar's aggregate classification.
Comment: The NBN p.Val346Met variant was identified in 1 of 976 proband chromosomes (frequency: 0.001) from individuals or families with breast cancer (Tung 2016). The variant was also identified in the following databases: dbSNP (ID: rs200297914) as â€šÃ„ÃºWith Uncertain significance alleleâ€šÃ„Ã¹, in ClinVar (classified with conflicting interpretations of pathogenicity; submitters: likely benign by Invitae and uncertain significance by GeneDx, Ambry Genetics, EGL Genetic Diagnostics and Laboratory Corporation of America), Clinvitae (4x), Cosmic (1x in an adenocarcinoma of the oesophagus), and not identified in LOVD 3.0 and Zhejiang University Database. The variant was identified in control databases in 77 of 277100 chromosomes at a frequency of 0.0003 (Genome Aggregation Database Feb 27, 2017). It was observed in the following populations: Latino in 3 of 34386 chromosomes (freq: 0.00009), European Non-Finnish in 2 of 126628 chromosomes (freq: 0.00002), East Asian in 62 of 18866 chromosomes (freq: 0.003), and South Asian in 10 of 30782 chromosomes (freq: 0.0003); it was not observed in the African, Other, Ashkenazi Jewish and Finnish populations. The p.Val346 residue is not conserved in mammals and computational analyses (PolyPhen-2, SIFT, AlignGVGD, BLOSUM, MutationTaster) do not suggest a high likelihood of impact of the variant Met to the protein; however, this information is not predictive enough to rule out pathogenicity. The variant occurs outside of the splicing consensus sequence and 2 of 5 in silico or computational prediction software programs (SpliceSiteFinder, MaxEntScan, NNSPLICE, GeneSplicer, HumanSpliceFinder) predict a greater than 10% difference in splicing; this is not very predictive of pathogenicity. In summary, based on the above information the clinical significance of this variant cannot be determined with certainty at this time. This variant is classified as a variant of uncertain significance.

Literature cited by the submitters: PubMed 38981878 (cited by Quest Diagnostics Nichols Institute San Juan Capistrano); PubMed 38509102 (cited by Quest Diagnostics Nichols Institute San Juan Capistrano); PubMed 33309985 (cited by Quest Diagnostics Nichols Institute San Juan Capistrano); PubMed 30287823 (cited by 3 submitters); PubMed 26976419 (cited by 3 submitters); PubMed 27443514 (cited by 3 submitters); PubMed 23555315 (cited by Quest Diagnostics Nichols Institute San Juan Capistrano and Women's Health and Genetics/Laboratory Corporation of America, LabCorp); PubMed 33471991 (cited by Quest Diagnostics Nichols Institute San Juan Capistrano).